The following is an entry in ClinVar:

NM_004655.4(AXIN2):c.1443C>G (p.Leu481=)

Gene: AXIN2 (axin 2; minus strand). Cytogenetic location: 17q24.1.
Variant type: single nucleotide variant.
Coding change: c.1443C>G on transcript NM_004655.4 (MANE Select); coding-DNA position 1443, C replaced by G.
Protein change: p.Leu481=; no amino-acid change (leucine 481 retained).
Molecular consequence: synonymous variant.
Genome position (GRCh38, 1-based): chr17:65,537,593, G>C on the plus strand (C>G on the coding strand, the complement: AXIN2 is on the minus strand). VCF-style: chr17-65537593-G-C. GRCh37 (hg19) VCF-style: chr17-63533711-G-C.
Other names: c.1443C>G, p.Leu481= (NM_001363813.1).
Identifiers: ClinVar variation 3378935 (VCV003378935.1).

ClinVar aggregate classification (germline): Benign (1 of 4 stars; one submission).

Conditions:
Oligodontia-cancer predisposition syndrome. Also called: TOOTH AGENESIS-COLORECTAL CANCER SYNDROME. Identifiers: Orphanet 300576, MedGen C1837750, MONDO:0012075, OMIM 608615. Disease mechanism: loss of function.

gnomAD v4.1: 1 of 1,605,590 alleles (0.000062%); highest among the groups gnomAD compares: African/African-American, 0.0013%; no homozygotes.

Submission:

Myriad Genetics, Inc.
Classification: Benign for Oligodontia-cancer predisposition syndrome. Last evaluated: 2024-07-03. Review status: criteria provided, single submitter. Criteria: Myriad Autosomal Dominant, Autosomal Recessive and X-Linked Classification Criteria (2023). Collection method: clinical testing. Allele origin: unknown.
Comment: This variant is considered benign. This variant is a silent/synonymous amino acid change and it is not expected to impact splicing.